The following is an entry in ClinVar:

ClinVar aggregate classification (germline): Likely benign. Review status: criteria provided, multiple submitters, no conflicts (2 of 4 stars). 3 submissions from 3 submitters: Likely benign (3). Last evaluated 2025-11-11.

Conditions:
Mitochondrial trifunctional protein deficiency. Identifiers: Orphanet 746, MedGen C1969443, MONDO:0012172.
Long chain 3-hydroxyacyl-CoA dehydrogenase deficiency. Also called: Deficiency of long-chain 3-hydroxyacyl-coenzyme A dehydrogenase; LCHAD Deficiency. Identifiers: Orphanet 5, MedGen C3711645, MONDO:0012173, OMIM 609016.

Allele frequency attached by ClinVar (database versions not stated): gnomAD exomes 0.00002 and 0.00006; ExAC 0.00009; gnomAD 0.00029; TOPMed 0.00031; 1000 Genomes Project 0.00040; 1000 Genomes Project 30x 0.00047.
gnomAD v4.1: 76 of 1,609,608 alleles (0.0047%); highest among the groups gnomAD compares: African/African-American, 0.083%; no homozygotes.

Submissions (3):

Labcorp Genetics (formerly Invitae), Labcorp
Classification: Likely benign for Mitochondrial trifunctional protein deficiency; Long chain 3-hydroxyacyl-CoA dehydrogenase deficiency. Last evaluated: 2025-11-11. Review status: criteria provided, single submitter. Criteria: Invitae Variant Classification Sherloc (09022015). Collection method: clinical testing. Allele origin: germline.

Blueprint Genetics
Classification: Likely benign. Last evaluated: 2024-07-18. Review status: criteria provided, single submitter. Criteria: ACMG Guidelines, 2015. Collection method: clinical testing. Allele origin: germline.

GeneDx
Classification: Likely benign. Last evaluated: 2017-10-12. Review status: criteria provided, single submitter. Criteria: GeneDx Variant Classification (06012015). Collection method: clinical testing. Allele origin: germline. Affected: yes.
Comment: This variant is considered likely benign or benign based on one or more of the following criteria: it is a conservative change, it occurs at a poorly conserved position in the protein, it is predicted to be benign by multiple in silico algorithms, and/or has population frequency not consistent with disease.

NM_000182.5(HADHA):c.315-12T>C

Gene: HADHA (hydroxyacyl-CoA dehydrogenase trifunctional multienzyme complex subunit alpha; minus strand). Cytogenetic location: 2p23.3.
Variant type: single nucleotide variant.
Coding change: c.315-12T>C on transcript NM_000182.5 (MANE Select); 12 bases into the intron before coding-DNA position 315, T replaced by C.
Molecular consequence: intron variant.
Genome position (GRCh38, 1-based): chr2:26,234,367, A>G on the plus strand (T>C on the coding strand, the complement: HADHA is on the minus strand). VCF-style: chr2-26234367-A-G. GRCh37 (hg19) VCF-style: chr2-26457235-A-G.
Identifiers: ClinVar variation 512407 (VCV000512407.7), dbSNP rs531815564, ClinGen allele CA1559906.